The following is an entry in ClinVar:

NM_000302.4(PLOD1):c.1822T>A (p.Phe608Ile)

Gene: PLOD1 (procollagen-lysine,2-oxoglutarate 5-dioxygenase 1; plus strand). Cytogenetic location: 1p36.22.
Variant type: single nucleotide variant.
Coding change: c.1822T>A on transcript NM_000302.4 (MANE Select); coding-DNA position 1822, T replaced by A.
Protein change: p.Phe608Ile; replaces phenylalanine 608 with isoleucine.
Molecular consequence: missense variant.
Genome position (GRCh38, 1-based): chr1:11,970,736, T>A. VCF-style: chr1-11970736-T-A. GRCh37 (hg19) VCF-style: chr1-12030793-T-A.
Other names: c.1963T>A, p.Phe655Ile (NM_001316320.2); short protein forms F608I, F655I.
Identifiers: ClinVar variation 4635501 (VCV004635501.1).
Genomic context (GRCh38, chr1:11,970,736, plus strand): 5'-CGCATCCAGGGTGGCTACGAGAACGTGCCGACTATTGACATCCACATGAACCAGATCGGC[T>A]TTGAGCGGGAGTGGCACAAATTCCTGCTGGAGTACATTGCGCCCATGACGGAGAAGCTCT-3'
Protein context (NP_000293.2, residues 598-618): TIDIHMNQIG[Phe608Ile]EREWHKFLLE

ClinVar aggregate classification (germline): Uncertain significance (1 of 4 stars; one submission).

Conditions:
Familial thoracic aortic aneurysm and aortic dissection (TAAD). Also called: Thoracic aortic aneurysms and dissections. Identifiers: Orphanet 91387, MedGen C4707243, MONDO:0019625.

gnomAD v4.1: 2 of 1,612,236 alleles (0.00012%); highest among the groups gnomAD compares: African/African-American, 0.0027%; no homozygotes.

Submission:

Ambry Genetics
Classification: Uncertain significance for Familial thoracic aortic aneurysm and aortic dissection. Last evaluated: 2025-09-17. Review status: criteria provided, single submitter. Criteria: Ambry Variant Classification Scheme 2023. Collection method: clinical testing. Allele origin: germline.
Comment: The p.F608I variant (also known as c.1822T>A), located in coding exon 17 of the PLOD1 gene, results from a T to A substitution at nucleotide position 1822. The phenylalanine at codon 608 is replaced by isoleucine, an amino acid with highly similar properties. This amino acid position is conserved. In addition, the in silico prediction for this alteration is inconclusive. Based on the available evidence, the clinical significance of this variant remains unclear.